The following is an entry in ClinVar:

NM_003104.6(SORD):c.654T>C (p.Ala218=)

Gene: SORD (sorbitol dehydrogenase; plus strand). Cytogenetic location: 15q21.1.
Variant type: single nucleotide variant.
Coding change: c.654T>C on transcript NM_003104.6 (MANE Select); coding-DNA position 654, T replaced by C.
Protein change: p.Ala218=; no amino-acid change (alanine 218 retained).
Molecular consequence: synonymous variant. On other transcripts: non-coding transcript variant (1).
Genome position (GRCh38, 1-based): chr15:45,068,920, T>C. VCF-style: chr15-45068920-T-C. GRCh37 (hg19) VCF-style: chr15-45361118-T-C.
Other names: p.Ala218=.
Identifiers: ClinVar variation 3067375 (VCV003067375.22), dbSNP rs146065102, ClinGen allele CA7537277.

ClinVar aggregate classification (germline): Likely benign. Review status: criteria provided, multiple submitters, no conflicts (2 of 4 stars). 2 submissions from 2 submitters: Likely benign (2). Last evaluated 2026-06-01.

Allele frequency attached by ClinVar (database versions not stated): ExAC 0.00014; gnomAD 0.00017; TOPMed 0.00019; gnomAD exomes 0.00041.
gnomAD v4.1: 594 of 1,578,768 alleles (0.038%); highest among the groups gnomAD compares: Non-Finnish European, 0.049%; 1 homozygote.

Submissions (2):

CeGaT Center for Human Genetics Tuebingen
Classification: Likely benign. Last evaluated: 2026-06-01. Review status: criteria provided, single submitter. Criteria: CeGaT Center For Human Genetics Tuebingen Variant Classification Criteria Version 2. Collection method: clinical testing. Allele origin: germline. Affected: yes. Observed: 2 variant alleles.
Comment: SORD: BP4, BP7

Mayo Clinic Laboratories, Mayo Clinic
Classification: Likely benign. Last evaluated: 2025-01-31. Review status: criteria provided, single submitter. Criteria: ACMG Guidelines, 2015. Collection method: clinical testing. Allele origin: germline. Observed: 2 variant alleles.
Comment: BP4, BP7